The following is an entry in ClinVar:

NM_001429.4(EP300):c.3014G>A (p.Cys1005Tyr)

Genes: EP300 (E1A binding protein p300; plus strand), LOC126863158 (BRD4-independent group 4 enhancer GRCh37_chr22:41547383-41548582; plus strand). Cytogenetic location: 22q13.2.
Variant type: single nucleotide variant.
Coding change: c.3014G>A on transcript NM_001429.4 (MANE Select); coding-DNA position 3014, G replaced by A.
Protein change: p.Cys1005Tyr; replaces cysteine 1005 with tyrosine.
Molecular consequence: missense variant.
Genome position (GRCh38, 1-based): chr22:41,152,222, G>A. VCF-style: chr22-41152222-G-A. GRCh37 (hg19) VCF-style: chr22-41548226-G-A.
Other names: c.2936G>A, p.Cys979Tyr (NM_001362843.2); short protein forms C1005Y, C979Y.
Identifiers: ClinVar variation 3350819 (VCV003350819.1).

ClinVar aggregate classification (germline): Uncertain significance (0 of 4 stars; one submission).

Conditions:
EP300-related disorder. Also called: EP300-related disorders; EP300-related condition.

gnomAD v4.1: 1 of 1,614,112 alleles (0.000062%); highest among the groups gnomAD compares: Non-Finnish European, 0.000085%; no homozygotes.

Submission:

PreventionGenetics, part of Exact Sciences
Classification: Uncertain significance for EP300-related condition. Last evaluated: 2023-12-21. Review status: no assertion criteria provided. Collection method: clinical testing. Allele origin: germline.
Comment: The EP300 c.3014G>A variant is predicted to result in the amino acid substitution p.Cys1005Tyr. To our knowledge, this variant has not been reported in individuals with EP300-related disease. This variant is reported in 0.00088% of alleles in individuals of European (Non-Finnish) descent in gnomAD. At this time, the clinical significance of this variant is uncertain due to the absence of conclusive functional and genetic evidence.